The following is an entry in ClinVar:

NM_018451.5(CPAP):c.669C>G (p.Tyr223Ter)

Gene: CPAP (centrosome assembly and centriole elongation protein; minus strand). Cytogenetic location: 13q12.13.
Variant type: single nucleotide variant.
Coding change: c.669C>G on transcript NM_018451.5 (MANE Select); coding-DNA position 669, C replaced by G.
Protein change: p.Tyr223Ter; replaces tyrosine 223 with a stop codon.
Molecular consequence: nonsense. On other transcripts: non-coding transcript variant (2).
Genome position (GRCh38, 1-based): chr13:24,909,986, G>C on the plus strand (C>G on the coding strand, the complement: CPAP is on the minus strand). VCF-style: chr13-24909986-G-C. GRCh37 (hg19) VCF-style: chr13-25484124-G-C.
Other names: short protein forms Y223*.
Identifiers: ClinVar variation 2911250 (VCV002911250.3), dbSNP rs386352291, ClinGen allele CA387590340.

ClinVar aggregate classification (germline): Pathogenic (1 of 4 stars; one submission).

gnomAD v4.1: 68 of 1,614,028 alleles (0.0042%); highest among the groups gnomAD compares: Non-Finnish European, 0.0058%; no homozygotes.

Submission:

Labcorp Genetics (formerly Invitae), Labcorp
Classification: Pathogenic. Last evaluated: 2024-05-07. Review status: criteria provided, single submitter. Criteria: Invitae Variant Classification Sherloc (09022015). Collection method: clinical testing. Allele origin: germline.
Comment: This sequence change creates a premature translational stop signal (p.Tyr223*) in the CENPJ gene. It is expected to result in an absent or disrupted protein product. Loss-of-function variants in CENPJ are known to be pathogenic (PMID: 15793586, 16900296, 20522431). This variant is not present in population databases (gnomAD no frequency). This variant has not been reported in the literature in individuals affected with CENPJ-related conditions. For these reasons, this variant has been classified as Pathogenic.

Literature cited by the submitters: PubMed 15793586; PubMed 16900296; PubMed 20522431.